The following is an entry in ClinVar:

NM_018489.3(ASH1L):c.7122G>A (p.Glu2374=)

Gene: ASH1L (ASH1 like histone lysine methyltransferase; minus strand). Cytogenetic location: 1q22.
Variant type: single nucleotide variant.
Coding change: c.7122G>A on transcript NM_018489.3 (MANE Select); coding-DNA position 7122, G replaced by A.
Protein change: p.Glu2374=; no amino-acid change (glutamic acid 2374 retained).
Molecular consequence: synonymous variant.
Genome position (GRCh38, 1-based): chr1:155,354,564, C>T on the plus strand (G>A on the coding strand, the complement: ASH1L is on the minus strand). VCF-style: chr1-155354564-C-T. GRCh37 (hg19) VCF-style: chr1-155324355-C-T.
Other names: c.7137G>A, p.Glu2379= (NM_001366177.2).
Identifiers: ClinVar variation 3341755 (VCV003341755.16).

ClinVar aggregate classification (germline): Likely benign (1 of 4 stars; one submission).

gnomAD v4.1: 22 of 1,613,964 alleles (0.0014%); highest among the groups gnomAD compares: East Asian, 0.047%; no homozygotes.

Submission:

CeGaT Center for Human Genetics Tuebingen
Classification: Likely benign. Last evaluated: 2024-07-01. Review status: criteria provided, single submitter. Criteria: CeGaT Center For Human Genetics Tuebingen Variant Classification Criteria Version 2. Collection method: clinical testing. Allele origin: germline. Affected: yes. Observed: 1 variant allele.
Comment: ASH1L: BP4, BP7